The following is an entry in ClinVar:

ClinVar aggregate classification (germline): Uncertain significance (1 of 4 stars; one submission).

Submission:

Labcorp Genetics (formerly Invitae), Labcorp
Classification: Uncertain significance. Last evaluated: 2024-11-24. Review status: criteria provided, single submitter. Criteria: Invitae Variant Classification Sherloc (09022015). Collection method: clinical testing. Allele origin: germline.
Comment: This sequence change replaces leucine, which is neutral and non-polar, with tryptophan, which is neutral and slightly polar, at codon 186 of the CACNA1D protein (p.Leu186Trp). This variant is not present in population databases (gnomAD no frequency). This variant has not been reported in the literature in individuals affected with CACNA1D-related conditions. Invitae Evidence Modeling of protein sequence and biophysical properties (such as structural, functional, and spatial information, amino acid conservation, physicochemical variation, residue mobility, and thermodynamic stability) indicates that this missense variant is not expected to disrupt CACNA1D protein function with a negative predictive value of 80%. In summary, the available evidence is currently insufficient to determine the role of this variant in disease. Therefore, it has been classified as a Variant of Uncertain Significance.

NM_001128840.3(CACNA1D):c.557T>G (p.Leu186Trp)

Gene: CACNA1D (calcium voltage-gated channel subunit alpha1 D; plus strand). Cytogenetic location: 3p21.1.
Variant type: single nucleotide variant.
Coding change: c.557T>G on transcript NM_001128840.3 (MANE Select); coding-DNA position 557, T replaced by G.
Protein change: p.Leu186Trp; replaces leucine 186 with tryptophan.
Molecular consequence: missense variant.
Genome position (GRCh38, 1-based): chr3:53,650,852, T>G. VCF-style: chr3-53650852-T-G. GRCh37 (hg19) VCF-style: chr3-53684879-T-G.
Other names: c.557T>G, p.Leu186Trp (NM_000720.4, NM_001128839.3); short protein forms L186W.
Identifiers: ClinVar variation 3664680 (VCV003664680.2).